The following is an entry in ClinVar:

NM_015001.3(SPEN):c.455A>C (p.His152Pro)

Gene: SPEN (spen family transcriptional repressor; plus strand). Cytogenetic location: 1p36.21.
Variant type: single nucleotide variant.
Coding change: c.455A>C on transcript NM_015001.3 (MANE Select); coding-DNA position 455, A replaced by C.
Protein change: p.His152Pro; replaces histidine 152 with proline.
Molecular consequence: missense variant.
Genome position (GRCh38, 1-based): chr1:15,876,252, A>C. VCF-style: chr1-15876252-A-C. GRCh37 (hg19) VCF-style: chr1-16202747-A-C.
Other names: short protein forms H152P.
Identifiers: ClinVar variation 2505710 (VCV002505710.1), dbSNP rs2522935737, ClinGen allele CA338601050.

ClinVar aggregate classification (germline): Uncertain significance (1 of 4 stars; one submission).

Submission:

GeneDx
Classification: Uncertain significance. Last evaluated: 2022-12-13. Review status: criteria provided, single submitter. Criteria: GeneDx Variant Classification Process June 2021. Collection method: clinical testing. Allele origin: germline. Affected: yes.
Comment: Not observed at significant frequency in large population cohorts (gnomAD); In silico analysis supports that this missense variant has a deleterious effect on protein structure/function; Has not been previously published as pathogenic or benign to our knowledge